The following is an entry in ClinVar:

NM_000019.4(ACAT1):c.372dup (p.Val125fs)

Gene: ACAT1 (acetyl-CoA acetyltransferase 1; plus strand). Cytogenetic location: 11q22.3.
Variant type: Duplication.
Coding change: c.372dup on transcript NM_000019.4 (MANE Select); coding-DNA position 372, one base duplicated (A; older notation c.372dupA).
Protein change: p.Val125fs; shifts the reading frame from valine 125.
Molecular consequence: frameshift variant. On other transcripts: non-coding transcript variant (1), intron variant (1).
Genome position (GRCh38, 1-based): chr11:108,135,179, A duplicated; the last of 3 consecutive A bases (chr11:108,135,177-108,135,179); duplicating any one gives the same sequence. VCF-style (leftmost placement, unchanged base first): chr11-108135176-C-CA. GRCh37 (hg19) VCF-style: chr11-108005903-C-CA.
Other names: c.372dup, p.Val125fs (NM_001386677.1); c.75dup, p.Val26fs (NM_001386679.1); c.102dup, p.Val35fs (NM_001386681.1, NM_001386682.1, NM_001386685.1 and 6 more transcripts); c.120+3225dup (NM_001386678.1); short protein forms V125fs, V26fs, V35fs.
Identifiers: ClinVar variation 2709873 (VCV002709873.3), dbSNP rs2135341565, ClinGen allele CA2697548950.

ClinVar aggregate classification (germline): Pathogenic (1 of 4 stars; one submission).

Conditions:
Deficiency of acetyl-CoA acetyltransferase. Also called: MITOCHONDRIAL ACETOACETYL-CoA THIOLASE DEFICIENCY; 3-KETOTHIOLASE DEFICIENCY; 3-OXOTHIOLASE DEFICIENCY; Beta-ketothiolase deficiency. Identifiers: Orphanet 134, MedGen C1536500, MONDO:0008760, OMIM 203750. Disease mechanism: loss of function.

Submission:

Labcorp Genetics (formerly Invitae), Labcorp
Classification: Pathogenic for Deficiency of acetyl-CoA acetyltransferase. Last evaluated: 2024-01-17. Review status: criteria provided, single submitter. Criteria: Invitae Variant Classification Sherloc (09022015). Collection method: clinical testing. Allele origin: germline.
Comment: This sequence change creates a premature translational stop signal (p.Val125Serfs*52) in the ACAT1 gene. It is expected to result in an absent or disrupted protein product. Loss-of-function variants in ACAT1 are known to be pathogenic (PMID: 7749408). This variant is not present in population databases (gnomAD no frequency). This variant has not been reported in the literature in individuals affected with ACAT1-related conditions. For these reasons, this variant has been classified as Pathogenic.

Literature cited by the submitters: PubMed 7749408.